The following is an entry in ClinVar:

NM_005908.4(MANBA):c.1534G>T (p.Glu512Ter)

Gene: MANBA (mannosidase beta; minus strand). Cytogenetic location: 4q24.
Variant type: single nucleotide variant.
Coding change: c.1534G>T on transcript NM_005908.4 (MANE Select); coding-DNA position 1534, G replaced by T.
Protein change: p.Glu512Ter; replaces glutamic acid 512 with a stop codon.
Molecular consequence: nonsense.
Genome position (GRCh38, 1-based): chr4:102,657,852, C>A on the plus strand (G>T on the coding strand, the complement: MANBA is on the minus strand). VCF-style: chr4-102657852-C-A. GRCh37 (hg19) VCF-style: chr4-103579009-C-A.
Other names: short protein forms E512*.
Identifiers: ClinVar variation 2070212 (VCV002070212.4), dbSNP rs1730640591, ClinGen allele CA357759023.

ClinVar aggregate classification (germline): Pathogenic (1 of 4 stars; one submission).

Conditions:
Beta-D-mannosidosis (MANSB). Also called: MANNOSIDOSIS, BETA A, LYSOSOMAL; BETA-MANNOSIDASE DEFICIENCY; LYSOSOMAL BETA-MANNOSIDASE DEFICIENCY; Beta-Mannosidosis. Identifiers: Orphanet 118, MedGen C4048196, MONDO:0009562, OMIM 248510.

Submission:

Labcorp Genetics (formerly Invitae), Labcorp
Classification: Pathogenic for Beta-D-mannosidosis. Last evaluated: 2022-01-02. Review status: criteria provided, single submitter. Criteria: Invitae Variant Classification Sherloc (09022015). Collection method: clinical testing. Allele origin: germline.
Comment: This variant has not been reported in the literature in individuals affected with MANBA-related conditions. For these reasons, this variant has been classified as Pathogenic. This variant is not present in population databases (gnomAD no frequency). This sequence change creates a premature translational stop signal (p.Glu512*) in the MANBA gene. It is expected to result in an absent or disrupted protein product. Loss-of-function variants in MANBA are known to be pathogenic (PMID: 9384606, 12468273).

Literature cited by the submitters: PubMed 9384606; PubMed 12468273.